The following is an entry in ClinVar:

ClinVar aggregate classification (germline): Uncertain significance. Review status: criteria provided, multiple submitters, no conflicts (2 of 4 stars). 3 submissions from 3 submitters: Uncertain significance (3). Last evaluated 2025-01-14.

Conditions:
CRTAP-related disorder. Also called: CRTAP-related condition.
Osteogenesis imperfecta type 7 (OI7). Also called: OSTEOGENESIS IMPERFECTA, TYPE IIB; Osteogenesis imperfecta type 2B; OI type 2B; Osteogenesis imperfecta, perinatal lethal autosomal recessive; OI type IIB; OI type 7. Identifiers: MedGen C1853162, MONDO:0012536, OMIM 610682.
Inborn genetic diseases. Identifiers: MedGen C0950123, MeSH D030342.

Allele frequency attached by ClinVar (database versions not stated): TOPMed below 0.00001; gnomAD 0.00001; gnomAD exomes 0.00001 and 0.00002; ExAC 0.00004.
gnomAD v4.1: 12 of 1,614,000 alleles (0.00074%); highest among the groups gnomAD compares: Non-Finnish European, 0.00093%; no homozygotes.

Submissions (3):

PreventionGenetics, part of Exact Sciences
Classification: Uncertain significance for CRTAP-related condition. Last evaluated: 2025-01-14. Review status: criteria provided, single submitter. Criteria: ACMG Guidelines, 2015. Collection method: clinical testing. Allele origin: germline.
Comment: The CRTAP c.496G>A variant is predicted to result in the amino acid substitution p.Ala166Thr. To our knowledge, this variant has not been reported in the literature. This variant is reported in 0.0054% of alleles in individuals of European (Non-Finnish) descent in gnomAD. At this time, the clinical significance of this variant is uncertain due to the absence of conclusive functional and genetic evidence.

Ambry Genetics
Classification: Uncertain significance for Inborn genetic diseases. Last evaluated: 2024-12-21. Review status: criteria provided, single submitter. Criteria: Ambry Variant Classification Scheme 2023. Collection method: clinical testing. Allele origin: germline.

Labcorp Genetics (formerly Invitae), Labcorp
Classification: Uncertain significance for Osteogenesis imperfecta type 7. Last evaluated: 2021-09-17. Review status: criteria provided, single submitter. Criteria: Invitae Variant Classification Sherloc (09022015). Collection method: clinical testing. Allele origin: germline.
Comment: This sequence change replaces alanine with threonine at codon 166 of the CRTAP protein (p.Ala166Thr). The alanine residue is moderately conserved and there is a small physicochemical difference between alanine and threonine. This variant is present in population databases (no rsID available, ExAC 0.006%). This variant has not been reported in the literature in individuals affected with CRTAP-related conditions. Algorithms developed to predict the effect of missense changes on protein structure and function are either unavailable or do not agree on the potential impact of this missense change (SIFT: "Tolerated"; PolyPhen-2: "Possibly Damaging"; Align-GVGD: "Class C0"). In summary, the available evidence is currently insufficient to determine the role of this variant in disease. Therefore, it has been classified as a Variant of Uncertain Significance.

NM_006371.5(CRTAP):c.496G>A (p.Ala166Thr)

Gene: CRTAP (cartilage associated protein; plus strand). Cytogenetic location: 3p22.3.
Variant type: single nucleotide variant.
Coding change: c.496G>A on transcript NM_006371.5 (MANE Select); coding-DNA position 496, G replaced by A.
Protein change: p.Ala166Thr; replaces alanine 166 with threonine.
Molecular consequence: missense variant. On other transcripts: intron variant (1).
Genome position (GRCh38, 1-based): chr3:33,120,368, G>A. VCF-style: chr3-33120368-G-A. GRCh37 (hg19) VCF-style: chr3-33161860-G-A.
Other names: c.496G>A (NM_006371.4); c.496G>A, p.Ala166Thr (NM_001393363.1, NM_001393364.1); c.472-4040G>A (NM_001393365.1); short protein forms A166T.
Identifiers: ClinVar variation 1415239 (VCV001415239.7), dbSNP rs1436939742, ClinGen allele CA2300297.